The following is an entry in ClinVar:

ClinVar aggregate classification (germline): Likely benign. Review status: criteria provided, multiple submitters, no conflicts (2 of 4 stars). 5 submissions from 5 submitters: Likely benign (5). Last evaluated 2025-11-12.

Conditions:
Cardiovascular phenotype. Identifiers: MedGen CN230736.
Cardiac arrhythmia. Also called: Cardiac rhythm disease; Arrhythmia. Identifiers: MedGen C0003811, MONDO:0007263, HP:0011675.
Long QT syndrome (LQTS). Identifiers: MedGen C0023976, MeSH D008133, MONDO:0002442. Disease mechanism: loss of function. Inheritance: Various modes of inheritance.

Allele frequency attached by ClinVar (database versions not stated): gnomAD 0.00001; gnomAD exomes 0.00001; TOPMed 0.00001.
gnomAD v4.1: 22 of 1,611,810 alleles (0.0014%); highest among the groups gnomAD compares: Admixed American, 0.0033%; no homozygotes.

Submissions (5):

Labcorp Genetics (formerly Invitae), Labcorp
Classification: Likely benign for Long QT syndrome. Last evaluated: 2025-11-12. Review status: criteria provided, single submitter. Criteria: Invitae Variant Classification Sherloc (09022015). Collection method: clinical testing. Allele origin: germline.

Blueprint Genetics
Classification: Likely benign. Last evaluated: 2024-11-04. Review status: criteria provided, single submitter. Criteria: ACMG Guidelines, 2015. Collection method: clinical testing. Allele origin: germline.

All of Us Research Program, National Institutes of Health
Classification: Likely benign for Long QT syndrome. Last evaluated: 2023-12-01. Review status: criteria provided, single submitter. Criteria: ACMG Guidelines, 2015. Collection method: clinical testing. Allele origin: germline. Inheritance: Autosomal dominant inheritance. Observed: 6 variant alleles, 6 heterozygotes.
Comment: This study involves interpretation of variants in research participants for the purpose of population health screening. Participant phenotype was not available at the time of variant classification. Additional details can be found in publication PMID: 35346344, PMCID: PMC8962531

Color Diagnostics, LLC DBA Color Health
Classification: Likely benign for Cardiac arrhythmia. Last evaluated: 2021-11-19. Review status: criteria provided, single submitter. Criteria: ACMG Guidelines, 2015. Collection method: clinical testing. Allele origin: germline.

Ambry Genetics
Classification: Likely benign for Cardiovascular phenotype. Last evaluated: 2017-12-27. Review status: criteria provided, single submitter. Criteria: Ambry Variant Classification Scheme 2023. Collection method: clinical testing. Allele origin: germline.

NM_000238.4(KCNH2):c.1968C>T (p.Phe656=)

Gene: KCNH2 (potassium voltage-gated channel subfamily H member 2; minus strand). Cytogenetic location: 7q36.1.
Variant type: single nucleotide variant.
Coding change: c.1968C>T on transcript NM_000238.4 (MANE Select); coding-DNA position 1968, C replaced by T.
Protein change: p.Phe656=; no amino-acid change (phenylalanine 656 retained).
Molecular consequence: synonymous variant. On other transcripts: non-coding transcript variant (2).
Genome position (GRCh38, 1-based): chr7:150,951,098, G>A on the plus strand (C>T on the coding strand, the complement: KCNH2 is on the minus strand). VCF-style: chr7-150951098-G-A. GRCh37 (hg19) VCF-style: chr7-150648186-G-A.
Other names: c.948C>T, p.Phe316= (NM_001204798.2, NM_172057.3); c.1680C>T, p.Phe560= (NM_001406753.1, NM_001406756.1); c.1791C>T, p.Phe597= (NM_001406755.1); c.1668C>T, p.Phe556= (NM_001406757.1); c.1968C>T, p.Phe656= (NM_172056.3).
Identifiers: ClinVar variation 1152898 (VCV001152898.15), dbSNP rs1238904019, ClinGen allele CA458645486.